The following is an entry in ClinVar:

NM_001367916.1(MAGT1):c.21T>A (p.Phe7Leu)

Genes: MAGT1 (magnesium transporter 1; minus strand), LOC130068460 (ATAC-STARR-seq lymphoblastoid active region 29781; plus strand). Cytogenetic location: Xq21.1.
Variant type: single nucleotide variant.
Coding change: c.21T>A on transcript NM_001367916.1 (MANE Select); coding-DNA position 21, T replaced by A.
Protein change: p.Phe7Leu; replaces phenylalanine 7 with leucine.
Molecular consequence: missense variant.
Genome position (GRCh38, 1-based): chrX:77,895,390, A>T on the plus strand (T>A on the coding strand, the complement: MAGT1 is on the minus strand). VCF-style: chrX-77895390-A-T. GRCh37 (hg19) VCF-style: chrX-77150887-A-T.
Other names: c.117T>A, p.Phe39Leu (NM_032121.5); short protein forms F39L, F7L.
Identifiers: ClinVar variation 3905972 (VCV003905972.10).

ClinVar aggregate classification (germline): Uncertain significance (1 of 4 stars; one submission).

gnomAD v4.1: 1 of 1,211,946 alleles (0.000083%); no homozygotes.

Submission:

CeGaT Center for Human Genetics Tuebingen
Classification: Uncertain significance. Last evaluated: 2025-05-01. Review status: criteria provided, single submitter. Criteria: CeGaT Center For Human Genetics Tuebingen Variant Classification Criteria Version 2. Collection method: clinical testing. Allele origin: germline. Affected: yes. Observed: 1 variant allele.
Comment: MAGT1: PM2, BP4